The following is an entry in ClinVar:

NM_021110.4(COL14A1):c.676C>T (p.Arg226Ter)

Gene: COL14A1 (collagen type XIV alpha 1 chain; plus strand). Cytogenetic location: 8q24.12.
Variant type: single nucleotide variant.
Coding change: c.676C>T on transcript NM_021110.4 (MANE Select); coding-DNA position 676, C replaced by T.
Protein change: p.Arg226Ter; replaces arginine 226 with a stop codon.
Molecular consequence: nonsense.
Genome position (GRCh38, 1-based): chr8:120,197,894, C>T. VCF-style: chr8-120197894-C-T. GRCh37 (hg19) VCF-style: chr8-121210133-C-T.
Other names: short protein forms R226*.
Identifiers: ClinVar variation 392486 (VCV000392486.2), dbSNP rs867730623, ClinGen allele CA16605167.

ClinVar aggregate classification (germline): Uncertain significance (1 of 4 stars; one submission).

Allele frequency attached by ClinVar (database versions not stated): gnomAD below 0.00001 and 0.00001; gnomAD exomes 0.00001; TOPMed 0.00002.

Submission:

GeneDx
Classification: Uncertain significance. Last evaluated: 2017-01-20. Review status: criteria provided, single submitter. Criteria: GeneDx Variant Classification (06012015). Collection method: clinical testing. Allele origin: germline. Affected: yes.
Comment: The R226X variant in the COL14A1 gene has not been reported previously as a pathogenic variant nor as a benign variant, to our knowledge. This variant is predicted to cause loss of normal protein function either through protein truncation or nonsense-mediated mRNA decay. It was not observed in approximately 6,500 individuals of European and African American ancestry in the NHLBI Exome Sequencing Project, indicating it is not a common benign variant in these populations. As loss-of-function variants have not been previously reported in the COL14A1 gene, we interpret R226X as a variant of uncertain significance.